The following is an entry in ClinVar:

ClinVar aggregate classification (germline): Pathogenic/Likely pathogenic. Review status: criteria provided, multiple submitters, no conflicts (2 of 4 stars). 3 submissions from 3 submitters: Pathogenic (1); Likely pathogenic (2). Last evaluated 2025-02-25.

Conditions:
Eichsfeld type congenital muscular dystrophy (CMYO3). Also called: MYOPATHY, SEPN1-RELATED; SELENON-related myopathy; Congenital myopathy 3 with rigid spine; Rigid spine muscular dystrophy 1. Identifiers: MedGen C0410180, MONDO:0100100, OMIM 602771.

Allele frequency attached by ClinVar (database versions not stated): gnomAD exomes below 0.00001 and 0.00001; TOPMed 0.00001; gnomAD 0.00003.

Submissions (3):

Labcorp Genetics (formerly Invitae), Labcorp
Classification: Pathogenic for Eichsfeld type congenital muscular dystrophy. Last evaluated: 2025-02-25. Review status: criteria provided, single submitter. Criteria: Invitae Variant Classification Sherloc (09022015). Collection method: clinical testing. Allele origin: germline.
Comment: This sequence change affects a donor splice site in intron 7 of the SELENON gene. It is expected to disrupt RNA splicing. Variants that disrupt the donor or acceptor splice site typically lead to a loss of protein function (PMID: 16199547), and loss-of-function variants in SELENON are known to be pathogenic (PMID: 21131290, 21670436). This variant is present in population databases (no rsID available, gnomAD 0.004%). Disruption of this splice site has been observed in individual(s) with myopathy (internal data). In at least one individual the data is consistent with being in trans (on the opposite chromosome) from a pathogenic variant. ClinVar contains an entry for this variant (Variation ID: 837938). Algorithms developed to predict the effect of sequence changes on RNA splicing suggest that this variant may disrupt the consensus splice site. For these reasons, this variant has been classified as Pathogenic.

Women's Health and Genetics/Laboratory Corporation of America, LabCorp
Classification: Likely pathogenic for Eichsfeld type congenital muscular dystrophy. Last evaluated: 2023-12-07. Review status: criteria provided, single submitter. Criteria: LabCorp Variant Classification Summary - May 2015. Collection method: clinical testing. Allele origin: germline.
Comment: Variant summary: SELENON c.1010+1G>A is located in a canonical splice-site and is predicted to affect mRNA splicing resulting in a significantly altered protein due to either exon skipping, shortening, or inclusion of intronic material. Several computational tools predict a significant impact on normal splicing: Four predict the variant abolishes the canonical 5' splicing donor site. However, these predictions have yet to be confirmed by functional studies. The variant allele was found at a frequency of 4e-06 in 248834 control chromosomes. To our knowledge, no occurrence of c.1010+1G>A in individuals affected with Eichsfeld Type Congenital Muscular Dystrophy and no experimental evidence demonstrating its impact on protein function have been reported. Two submitters have cited clinical-significance assessments for this variant to ClinVar after 2014. All submitters classified the variant as pathogenic/likely pathogenic. Based on the evidence outlined above, the variant was classified as likely pathogenic.

Broad Center for Mendelian Genomics, Broad Institute of MIT and Harvard
Classification: Likely pathogenic. Last evaluated: 2023-01-24. Review status: criteria provided, single submitter. Criteria: ACMG Guidelines, 2015. Collection method: curation. Allele origin: germline. Inheritance: Autosomal recessive inheritance.
Comment: Although this variant has been seen in the general population in a heterozygous state, its frequency is low enough to be consistent with a recessive carrier frequency. This variant has also been reported in ClinVar (Variation ID#: 837938) and has been interpreted as pathogenic by Invitae. This variant is located in the 3' splice region. Computational tools predict a splicing impact, though this information is not predictive enough to determine pathogenicity. This variant is adjacent to an in-frame exon and is more likely to escape nonsense mediated decay (NMD) and result in a truncated protein. Loss of function of the SELENON gene is an established disease mechanism in autosomal recessive SELENON-RM. In summary, although additional studies are required to fully establish its clinical significance, this variant is likely pathogenic for autosomal recessive SELENON-RM. ACMG/AMP Criteria applied: PVS1_moderate, PM2, PM3 (Richards 2015).

Literature cited by the submitters: PubMed 16199547 (cited by Labcorp Genetics (formerly Invitae), Labcorp); PubMed 21131290 (cited by Labcorp Genetics (formerly Invitae), Labcorp); PubMed 21670436 (cited by Labcorp Genetics (formerly Invitae), Labcorp).

NM_206926.2(SELENON):c.908+1G>A

Gene: SELENON (selenoprotein N; plus strand). Cytogenetic location: 1p36.11.
Variant type: single nucleotide variant.
Coding change: c.908+1G>A on transcript NM_206926.2 (MANE Select); the canonical splice donor site of the intron after coding-DNA position 908, G replaced by A.
Molecular consequence: splice donor variant.
Genome position (GRCh38, 1-based): chr1:25,809,821, G>A. VCF-style: chr1-25809821-G-A. GRCh37 (hg19) VCF-style: chr1-26136312-G-A.
Other names: c.1010+1G>A (NM_020451.3).
Identifiers: ClinVar variation 837938 (VCV000837938.11), dbSNP rs908682527, ClinGen allele CA19698586.
Genomic context (GRCh38, chr1:25,809,821, plus strand): 5'-CATCCTCTCCAAAGACGCCACCCACGTCCGCGACTTCCGGCTCTTCGTGCCCAACCACAG[G>A]TGGGAGCTTGACCCTGGCCCAGCCTTGGCTCCCTCCTACAGCTTGTCCTGCTCCCCAGCT-3'